The following is an entry in ClinVar:

NM_000878.5(IL2RB):c.890G>C (p.Gly297Ala)

Gene: IL2RB (interleukin 2 receptor subunit beta; minus strand). Cytogenetic location: 22q12.3.
Variant type: single nucleotide variant.
Coding change: c.890G>C on transcript NM_000878.5 (MANE Select); coding-DNA position 890, G replaced by C.
Protein change: p.Gly297Ala; replaces glycine 297 with alanine.
Molecular consequence: missense variant.
Genome position (GRCh38, 1-based): chr22:37,132,397, C>G on the plus strand (G>C on the coding strand, the complement: IL2RB is on the minus strand). VCF-style: chr22-37132397-C-G. GRCh37 (hg19) VCF-style: chr22-37528437-C-G.
Other names: c.890G>C, p.Gly297Ala (NM_001346222.1, NM_001346223.2); short protein forms G297A.
Identifiers: ClinVar variation 1929732 (VCV001929732.5), dbSNP rs765304134, ClinGen allele CA10216484.
Genomic context (GRCh38, chr22:37,132,397, plus strand): 5'-CCACTCACACCCCTGCCCACCTCTGTCTCCCCGCCCCGGCCTCCTACCTGGACGTCTCCT[C>G]CATGCTCTGAGCTCAGCTGGGAAAAGAACTTCGAGGGGTCTGGGGTGTTACACTTCAGGA-3'
Protein context (NP_000869.1, residues 287-307): KFFSQLSSEH[Gly297Ala]GDVQKWLSSP

ClinVar aggregate classification (germline): Uncertain significance (1 of 4 stars; one submission).

Allele frequency attached by ClinVar (database versions not stated): ExAC 0.00002.
gnomAD v4.1: 7 of 1,613,938 alleles (0.00043%); highest among the groups gnomAD compares: South Asian, 0.0077%; no homozygotes.

Submission:

Labcorp Genetics (formerly Invitae), Labcorp
Classification: Uncertain significance. Last evaluated: 2025-11-27. Review status: criteria provided, single submitter. Criteria: Invitae Variant Classification Sherloc (09022015). Collection method: clinical testing. Allele origin: germline.
Comment: This sequence change replaces glycine, which is neutral and non-polar, with alanine, which is neutral and non-polar, at codon 297 of the IL2RB protein (p.Gly297Ala). This variant is present in population databases (rs765304134, gnomAD 0.006%). This variant has not been reported in the literature in individuals affected with IL2RB-related conditions. ClinVar contains an entry for this variant (Variation ID: 1929732). An algorithm developed to predict the effect of missense changes on protein structure and function (PolyPhen-2) suggests that this variant is likely to be disruptive. In summary, the available evidence is currently insufficient to determine the role of this variant in disease. Therefore, it has been classified as a Variant of Uncertain Significance.